The following is an entry in ClinVar:

NM_001080414.4(CCDC88C):c.4801_4802del (p.Ser1601fs)

Gene: CCDC88C (coiled-coil and HOOK domain protein 88C; minus strand). Cytogenetic location: 14q32.11.
Variant type: Microsatellite.
Coding change: c.4801_4802del on transcript NM_001080414.4 (MANE Select); coding-DNA positions 4801 to 4802, 2 bases deleted (AG; older notation c.4801_4802delAG).
Protein change: p.Ser1601fs; shifts the reading frame from serine 1601.
Molecular consequence: frameshift variant. On other transcripts: non-coding transcript variant (2).
Genome position (GRCh38, 1-based): chr14:91,278,178-91,278,179, CT deleted on the plus strand (AG on the coding strand, the reverse complement: CCDC88C is on the minus strand); deleting any 2 consecutive bases within chr14:91,278,178-91,278,182 gives the same sequence; the c. name uses the placement nearest the transcript's 3' end. VCF-style (leftmost placement, unchanged base first): chr14-91278177-GCT-G. GRCh37 (hg19) VCF-style: chr14-91744521-GCT-G.
Other names: c.4801_4802delAG (NM_001080414.4); short protein forms S1601fs.
Identifiers: ClinVar variation 4689315 (VCV004689315.1).

ClinVar aggregate classification (germline): Pathogenic (1 of 4 stars; one submission).

Conditions:
CCDC88C-related disorder. Also called: CCDC88C-related condition; CCDC88C-Related Disorders.

Submission:

Women's Health and Genetics/Laboratory Corporation of America, LabCorp
Classification: Pathogenic for CCDC88C-Related Disorders. Last evaluated: 2026-01-27. Review status: criteria provided, single submitter. Criteria: LabCorp Variant Classification Summary - May 2015. Collection method: clinical testing. Allele origin: germline.
Comment: Variant summary: CCDC88C c.4801_4802delAG (p.Ser1601LeufsX67) results in a premature termination codon, predicted to cause a truncation of the encoded protein or absence of the protein due to nonsense mediated decay, which are commonly known mechanisms for disease. The variant was absent in 244114 control chromosomes. To our knowledge, no occurrence of c.4801_4802delAG in individuals affected with CCDC88C-related conditions and no experimental evidence demonstrating its impact on protein function have been reported. No submitters have cited clinical-significance assessments for this variant to ClinVar. Based on the evidence outlined above, the variant was classified as pathogenic.